The following is an entry in ClinVar:

NM_001855.5(COL15A1):c.3360T>C (p.Pro1120=)

Gene: COL15A1 (collagen type XV alpha 1 chain; plus strand). Cytogenetic location: 9q22.33.
Variant type: single nucleotide variant.
Coding change: c.3360T>C on transcript NM_001855.5 (MANE Select); coding-DNA position 3360, T replaced by C.
Protein change: p.Pro1120=; no amino-acid change (proline 1120 retained).
Molecular consequence: synonymous variant.
Genome position (GRCh38, 1-based): chr9:99,059,911, T>C. VCF-style: chr9-99059911-T-C. GRCh37 (hg19) VCF-style: chr9-101822193-T-C.
Other names: c.3360T>C (NM_001855.3).
Identifiers: ClinVar variation 3037756 (VCV003037756.3), dbSNP rs142506409, ClinGen allele CA5155846.

ClinVar aggregate classification (germline): Likely benign. Review status: criteria provided, single submitter (1 of 4 stars). 2 submissions from 2 submitters: Likely benign (1). 1 of the submissions does not count toward it. Last evaluated 2024-08-05.

Conditions:
COL15A1-related disorder. Also called: COL15A1-related condition.

Allele frequency attached by ClinVar (database versions not stated): gnomAD 0.00198; ESP Exome Variant Server 0.00200; TOPMed 0.00216; 1000 Genomes Project 0.00280; 1000 Genomes Project 30x 0.00281; ExAC 0.00080.
gnomAD v4.1: 891 of 1,613,956 alleles (0.055%); highest among the groups gnomAD compares: African/African-American, 0.56%; 1 homozygote.

Submissions (2):

Ambry Genetics
Classification: Likely benign. Last evaluated: 2024-08-05. Review status: criteria provided, single submitter. Criteria: Ambry Variant Classification Scheme 2023. Collection method: clinical testing. Allele origin: germline.

PreventionGenetics, part of Exact Sciences
Classification: Likely benign for COL15A1-related condition. Last evaluated: 2019-02-28. Review status: no assertion criteria provided. Collection method: clinical testing. Allele origin: germline. Not counted in ClinVar's aggregate classification.
Comment: This variant is classified as likely benign based on ACMG/AMP sequence variant interpretation guidelines (Richards et al. 2015 PMID: 25741868, with internal and published modifications).